The following is an entry in ClinVar:

ClinVar aggregate classification (germline): Uncertain significance (1 of 4 stars; one submission).

gnomAD v4.1: 2 of 1,612,482 alleles (0.00012%); highest among the groups gnomAD compares: Non-Finnish European, 0.000085%; no homozygotes.

Submission:

Labcorp Genetics (formerly Invitae), Labcorp
Classification: Uncertain significance. Last evaluated: 2021-10-25. Review status: criteria provided, single submitter. Criteria: Invitae Variant Classification Sherloc (09022015). Collection method: clinical testing. Allele origin: germline.
Comment: In summary, the available evidence is currently insufficient to determine the role of this variant in disease. Therefore, it has been classified as a Variant of Uncertain Significance. Algorithms developed to predict the effect of missense changes on protein structure and function (SIFT, PolyPhen-2, Align-GVGD) all suggest that this variant is likely to be tolerated. This variant has not been reported in the literature in individuals affected with TRPM1-related conditions. This variant is not present in population databases (ExAC no frequency). This sequence change replaces glutamic acid with aspartic acid at codon 1171 of the TRPM1 protein (p.Glu1171Asp). The glutamic acid residue is highly conserved and there is a small physicochemical difference between glutamic acid and aspartic acid.

NM_001252024.2(TRPM1):c.3579G>C (p.Glu1193Asp)

Genes: TRPM1 (transient receptor potential cation channel subfamily M member 1; minus strand), TRPM1-AS1 (TRPM1 antisense RNA 1; plus strand), LOC126862088 (BRD4-independent group 4 enhancer GRCh37_chr15:31318084-31319283; plus strand). Cytogenetic location: 15q13.3.
Variant type: single nucleotide variant.
Coding change: c.3579G>C on transcript NM_001252024.2 (MANE Select); coding-DNA position 3579, G replaced by C.
Protein change: p.Glu1193Asp; replaces glutamic acid 1193 with aspartic acid.
Molecular consequence: missense variant.
Genome position (GRCh38, 1-based): chr15:31,026,189, C>G on the plus strand (G>C on the coding strand, the complement: TRPM1 is on the minus strand). VCF-style: chr15-31026189-C-G. GRCh37 (hg19) VCF-style: chr15-31318392-C-G.
Other names: c.3630G>C, p.Glu1210Asp (NM_001252020.2); c.3513G>C, p.Glu1171Asp (NM_002420.6); short protein forms E1171D, E1193D, E1210D.
Identifiers: ClinVar variation 1490673 (VCV001490673.6), dbSNP rs754998379, ClinGen allele CA391540120.